The following is an entry in ClinVar:

ClinVar aggregate classification (germline): Likely benign. Review status: criteria provided, single submitter (1 of 4 stars). 2 submissions from 2 submitters: Likely benign (1). 1 of the submissions does not count toward it. Last evaluated 2022-04-03.

Conditions:
TCTN1-related disorder. Also called: TCTN1-related condition.
Joubert syndrome. Also called: CEREBELLOPARENCHYMAL DISORDER IV; JOUBERT-BOLTSHAUSER SYNDROME; Familial aplasia of the vermis. Identifiers: Orphanet 475, MedGen C5979921, MONDO:0018772.
Meckel-Gruber syndrome. Also called: DYSENCEPHALIA SPLANCHNOCYSTICA; GRUBER SYNDROME; Dysencephalia splachnocystica. Identifiers: Orphanet 564, MedGen C0265215, MONDO:0018921.

Allele frequency attached by ClinVar (database versions not stated): ExAC 0.00001; gnomAD 0.00001.
gnomAD v4.1: 23 of 1,614,070 alleles (0.0014%); highest among the groups gnomAD compares: Middle Eastern, 0.15%; 2 homozygotes.

Submissions (2):

Labcorp Genetics (formerly Invitae), Labcorp
Classification: Likely benign for Joubert syndrome; Meckel-Gruber syndrome. Last evaluated: 2022-04-03. Review status: criteria provided, single submitter. Criteria: Invitae Variant Classification Sherloc (09022015). Collection method: clinical testing. Allele origin: germline.

PreventionGenetics, part of Exact Sciences
Classification: Likely benign for TCTN1-related condition. Last evaluated: 2019-06-20. Review status: no assertion criteria provided. Collection method: clinical testing. Allele origin: germline. Not counted in ClinVar's aggregate classification.
Comment: This variant is classified as likely benign based on ACMG/AMP sequence variant interpretation guidelines (Richards et al. 2015 PMID: 25741868, with internal and published modifications).

NM_001082538.3(TCTN1):c.1659G>A (p.Thr553=)

Gene: TCTN1 (tectonic family member 1; plus strand). Cytogenetic location: 12q24.11.
Variant type: single nucleotide variant.
Coding change: c.1659G>A on transcript NM_001082538.3 (MANE Select); coding-DNA position 1659, G replaced by A.
Protein change: p.Thr553=; no amino-acid change (threonine 553 retained).
Molecular consequence: synonymous variant. On other transcripts: non-coding transcript variant (1).
Genome position (GRCh38, 1-based): chr12:110,647,772, G>A. VCF-style: chr12-110647772-G-A. GRCh37 (hg19) VCF-style: chr12-111085577-G-A.
Other names: c.1644G>A, p.Thr548= (NM_001082537.3); c.1476G>A, p.Thr492= (NM_001173975.3); c.1332G>A, p.Thr444= (NM_001173976.2); c.1497G>A, p.Thr499= (NM_001319680.2); c.1110G>A, p.Thr370= (NM_001319681.2); c.1602G>A, p.Thr534= (NM_024549.6); c.1659G>A (NM_001082538.2).
Identifiers: ClinVar variation 1562939 (VCV001562939.10), dbSNP rs777278093, ClinGen allele CA6786969.